The following is an entry in ClinVar:

ClinVar aggregate classification (germline): Uncertain significance. Review status: criteria provided, multiple submitters, no conflicts (2 of 4 stars). 2 submissions from 2 submitters: Uncertain significance (2). Last evaluated 2025-06-01.

Conditions:
Inborn genetic diseases. Identifiers: MedGen C0950123, MeSH D030342.

Allele frequency attached by ClinVar (database versions not stated): ExAC 0.00003.
gnomAD v4.1: 5 of 1,613,880 alleles (0.00031%); highest among the groups gnomAD compares: Admixed American, 0.0083%; no homozygotes.

Submissions (2):

Labcorp Genetics (formerly Invitae), Labcorp
Classification: Uncertain significance. Last evaluated: 2025-06-01. Review status: criteria provided, single submitter. Criteria: Invitae Variant Classification Sherloc (09022015). Collection method: clinical testing. Allele origin: germline.
Comment: This sequence change replaces lysine, which is basic and polar, with glutamic acid, which is acidic and polar, at codon 933 of the AP3D1 protein (p.Lys933Glu). This variant is present in population databases (rs768152921, gnomAD 0.01%). This variant has not been reported in the literature in individuals affected with AP3D1-related conditions. ClinVar contains an entry for this variant (Variation ID: 2304103). An algorithm developed to predict the effect of missense changes on protein structure and function outputs the following: PolyPhen-2: "Benign". The glutamic acid amino acid residue is found in multiple mammalian species, which suggests that this missense change does not adversely affect protein function. In summary, the available evidence is currently insufficient to determine the role of this variant in disease. Therefore, it has been classified as a Variant of Uncertain Significance.

Ambry Genetics
Classification: Uncertain significance for Inborn genetic diseases. Last evaluated: 2022-08-01. Review status: criteria provided, single submitter. Criteria: Ambry Variant Classification Scheme 2023. Collection method: clinical testing. Allele origin: germline.

NM_001261826.3(AP3D1):c.2797A>G (p.Lys933Glu)

Gene: AP3D1 (adaptor related protein complex 3 subunit delta 1; minus strand). Cytogenetic location: 19p13.3.
Variant type: single nucleotide variant.
Coding change: c.2797A>G on transcript NM_001261826.3 (MANE Select); coding-DNA position 2797, A replaced by G.
Protein change: p.Lys933Glu; replaces lysine 933 with glutamic acid.
Molecular consequence: missense variant.
Genome position (GRCh38, 1-based): chr19:2,111,819, T>C on the plus strand (A>G on the coding strand, the complement: AP3D1 is on the minus strand). VCF-style: chr19-2111819-T-C. GRCh37 (hg19) VCF-style: chr19-2111818-T-C.
Other names: c.2761A>G, p.Lys921Glu (NM_001374799.1); c.2611A>G, p.Lys871Glu (NM_003938.8); short protein forms K933E, K871E, K921E.
Identifiers: ClinVar variation 2304103 (VCV002304103.3), dbSNP rs768152921, ClinGen allele CA9058711.
Genomic context (GRCh38, chr19:2,111,819, plus strand): 5'-ACTTCTTCTTGCCTTTGGTCCGCTCCTCCTTCTCCTTCCTGTGCTTCTTCTTCTTAGGCT[T>C]GGGAGATTTCTGGAGCAAGAGGAGGGTCGGGTTCAGTGCCCAGGCTGCTCCAGCACGCCC-3'
Protein context (NP_001248755.1, residues 923-943): EGQDQDKKSP[Lys933Glu]PKKKKHRKEK